The following is an entry in ClinVar:

NM_130839.5(UBE3A):c.119G>A (p.Gly40Asp)

Genes: SNHG14 (small nucleolar RNA host gene 14; plus strand), UBE3A (ubiquitin protein ligase E3A; minus strand). Cytogenetic location: 15q11.2.
Variant type: single nucleotide variant.
Coding change: c.119G>A on transcript NM_130839.5 (MANE Select); coding-DNA position 119, G replaced by A.
Protein change: p.Gly40Asp; replaces glycine 40 with aspartic acid.
Molecular consequence: missense variant. On other transcripts: 5 prime UTR variant (1), non-coding transcript variant (1).
Genome position (GRCh38, 1-based): chr15:25,375,707, C>T on the plus strand (G>A on the coding strand, the complement: UBE3A is on the minus strand). VCF-style: chr15-25375707-C-T. GRCh37 (hg19) VCF-style: chr15-25620854-C-T.
Other names: c.119G>A, p.Gly40Asp (NM_001354505.1, NM_001354538.2, NM_001354545.2 and 1 more transcripts); c.59G>A, p.Gly20Asp (NM_001354506.2, NM_001354507.2, NM_001354508.2 and 18 more transcripts); c.-59G>A (NM_001354546.2); c.128G>A, p.Gly43Asp (NM_000462.5); short protein forms G20D, G40D, G43D.
Identifiers: ClinVar variation 3342678 (VCV003342678.2).

ClinVar aggregate classification (germline): Pathogenic/Likely pathogenic. Review status: criteria provided, multiple submitters, no conflicts (2 of 4 stars). 2 submissions from 2 submitters: Pathogenic (1); Likely pathogenic (1). Last evaluated 2024-10-04.

Conditions:
Angelman syndrome (AS). Also called: HAPPY PUPPET SYNDROME. Identifiers: Orphanet 72, MedGen C0162635, MONDO:0007113, OMIM 105830. Disease mechanism: loss of function. Inheritance: AS is caused by disruption of maternally imprinted UBE3A located within the 15q11.2-q13 Angelman syndrome/Prader-Willi syndrome (AS/PWS) region., imprinting disorder.

Submissions (2):

Dubai Health Genomic Medicine Center, Dubai Health
Classification: Likely pathogenic for Angelman syndrome. Last evaluated: 2024-10-04. Review status: criteria provided, single submitter. Criteria: ACMG Guidelines, 2015. Collection method: research. Allele origin: germline. Affected: yes.
Comment: PS2,PM2

GeneDx
Classification: Pathogenic. Last evaluated: 2024-03-20. Review status: criteria provided, single submitter. Criteria: GeneDx Variant Classification Process June 2021. Collection method: clinical testing. Allele origin: germline. Affected: yes.
Comment: Not observed at significant frequency in large population cohorts (gnomAD); In silico analysis supports that this missense variant has a deleterious effect on protein structure/function; Has not been previously published as pathogenic or benign to our knowledge